The following is an entry in ClinVar:

ClinVar aggregate classification (germline): Uncertain significance (1 of 4 stars; one submission).

Conditions:
Early-infantile DEE. Also called: Ohtahara syndrome; Early infantile epileptic encephalopathy with suppression bursts; Early infantile epileptic encephalopathy. Identifiers: Orphanet 1934, MedGen C0393706, MONDO:0800491.

Submission:

Labcorp Genetics (formerly Invitae), Labcorp
Classification: Uncertain significance for Early-infantile DEE. Last evaluated: 2023-11-17. Review status: criteria provided, single submitter. Criteria: Invitae Variant Classification Sherloc (09022015). Collection method: clinical testing. Allele origin: germline.
Comment: This sequence change replaces alanine, which is neutral and non-polar, with serine, which is neutral and polar, at codon 87 of the GNAO1 protein (p.Ala87Ser). This variant is not present in population databases (gnomAD no frequency). This variant has not been reported in the literature in individuals affected with GNAO1-related conditions. Advanced modeling of protein sequence and biophysical properties (such as structural, functional, and spatial information, amino acid conservation, physicochemical variation, residue mobility, and thermodynamic stability) performed at Invitae indicates that this missense variant is expected to disrupt GNAO1 protein function with a positive predictive value of 80%. In summary, the available evidence is currently insufficient to determine the role of this variant in disease. Therefore, it has been classified as a Variant of Uncertain Significance.

NM_020988.3(GNAO1):c.259G>T (p.Ala87Ser)

Gene: GNAO1 (G protein subunit alpha o1; plus strand). Cytogenetic location: 16q13.
Variant type: single nucleotide variant.
Coding change: c.259G>T on transcript NM_020988.3 (MANE Select); coding-DNA position 259, G replaced by T.
Protein change: p.Ala87Ser; replaces alanine 87 with serine.
Molecular consequence: missense variant.
Genome position (GRCh38, 1-based): chr16:56,276,028, G>T. VCF-style: chr16-56276028-G-T. GRCh37 (hg19) VCF-style: chr16-56309940-G-T.
Other names: c.259G>T, p.Ala87Ser (NM_138736.3); short protein forms A87S.
Identifiers: ClinVar variation 2696873 (VCV002696873.3), dbSNP rs2506745442, ClinGen allele CA396128170.